The following is an entry in ClinVar:

ClinVar aggregate classification (germline): Benign/Likely benign. Review status: criteria provided, multiple submitters, no conflicts (2 of 4 stars). 2 submissions from 2 submitters: Benign (1); Likely benign (1). Last evaluated 2025-07-15.

Conditions:
Dystonic disorder. Also called: Dystonia. Identifiers: MedGen C0013421, MONDO:0003441, HP:0001332.

Allele frequency attached by ClinVar (database versions not stated): gnomAD exomes 0.00010 and 0.00025; ExAC 0.00031; ESP Exome Variant Server 0.00046; gnomAD 0.00073 and 0.00077; TOPMed 0.00095.
gnomAD v4.1: 257 of 1,610,302 alleles (0.016%); highest among the groups gnomAD compares: African/African-American, 0.22%; no homozygotes.

Submissions (2):

Labcorp Genetics (formerly Invitae), Labcorp
Classification: Benign for Dystonic disorder. Last evaluated: 2025-07-15. Review status: criteria provided, single submitter. Criteria: Invitae Variant Classification Sherloc (09022015). Collection method: clinical testing. Allele origin: germline.

Mayo Clinic Laboratories, Mayo Clinic
Classification: Likely benign. Last evaluated: 2025-03-21. Review status: criteria provided, single submitter. Criteria: ACMG Guidelines, 2015. Collection method: clinical testing. Allele origin: germline. Observed: 1 variant allele.
Comment: BS1, BP4, BP7

NM_031418.4(ANO3):c.1401C>T (p.Phe467=)

Genes: ANO3 (anoctamin 3; plus strand), MUC15 (mucin 15, cell surface associated; minus strand). Cytogenetic location: 11p14.2.
Variant type: single nucleotide variant.
Coding change: c.1401C>T on transcript NM_031418.4 (MANE Select); coding-DNA position 1401, C replaced by T.
Protein change: p.Phe467=; no amino-acid change (phenylalanine 467 retained).
Molecular consequence: synonymous variant. On other transcripts: 3 prime UTR variant (3).
Genome position (GRCh38, 1-based): chr11:26,559,733, C>T. VCF-style: chr11-26559733-C-T. GRCh37 (hg19) VCF-style: chr11-26581280-C-T.
Other names: p.Phe467=; c.*1332G>A (NM_001135091.2, NM_001135092.2, NM_145650.4); c.1584C>T, p.Phe528= (NM_001313726.2); c.963C>T, p.Phe321= (NM_001313727.2).
Identifiers: ClinVar variation 696089 (VCV000696089.11), dbSNP rs149918645, ClinGen allele CA5925936.